The following is an entry in ClinVar:

ClinVar aggregate classification (germline): Uncertain significance. Review status: criteria provided, multiple submitters, no conflicts (2 of 4 stars). 5 submissions from 5 submitters: Uncertain significance (4). 1 of the submissions does not count toward it. Last evaluated 2025-09-11.

Conditions:
Renal tubular acidosis with progressive nerve deafness. Also called: Distal Renal Tubular Acidosis with Progressive Sensorineural Deafness; RENAL TUBULAR ACIDOSIS, AUTOSOMAL RECESSIVE, WITH PROGRESSIVE NERVE DEAFNESS; RTA WITH PROGRESSIVE NERVE DEAFNESS; renal tubular acidosis, distal, 2, with progressive sensorineural hearing loss. Identifiers: MedGen C0403554, MONDO:0009968, OMIM 267300.
ATP6V1B1-related disorder. Also called: ATP6V1B1-related condition.

Allele frequency attached by ClinVar (database versions not stated): gnomAD 0.00001; gnomAD exomes 0.00001; TOPMed 0.00001; ExAC 0.00002.
gnomAD v4.1: 9 of 1,614,102 alleles (0.00056%); highest among the groups gnomAD compares: East Asian, 0.0045%; no homozygotes.

Submissions (5):

PreventionGenetics, part of Exact Sciences
Classification: Uncertain significance for ATP6V1B1-related condition. Last evaluated: 2025-09-11. Review status: criteria provided, single submitter. Criteria: ACMG Guidelines, 2015. Collection method: clinical testing. Allele origin: germline.
Comment: The ATP6V1B1 c.512T>C variant is predicted to result in the amino acid substitution p.Ile171Thr. To our knowledge, this variant has not been reported in the literature. This variant is reported in 0.0062% of alleles in individuals of African descent in gnomAD. At this time, the clinical significance of this variant is uncertain due to the absence of conclusive functional and genetic evidence.

Labcorp Genetics (formerly Invitae), Labcorp
Classification: Uncertain significance. Last evaluated: 2022-09-09. Review status: criteria provided, single submitter. Criteria: Invitae Variant Classification Sherloc (09022015). Collection method: clinical testing. Allele origin: germline.
Comment: This sequence change replaces isoleucine, which is neutral and non-polar, with threonine, which is neutral and polar, at codon 171 of the ATP6V1B1 protein (p.Ile171Thr). This variant is present in population databases (rs782807034, gnomAD 0.007%). This variant has not been reported in the literature in individuals affected with ATP6V1B1-related conditions. ClinVar contains an entry for this variant (Variation ID: 862369). Advanced modeling of protein sequence and biophysical properties (such as structural, functional, and spatial information, amino acid conservation, physicochemical variation, residue mobility, and thermodynamic stability) performed at Invitae indicates that this missense variant is expected to disrupt ATP6V1B1 protein function. In summary, the available evidence is currently insufficient to determine the role of this variant in disease. Therefore, it has been classified as a Variant of Uncertain Significance.

Fulgent Genetics
Classification: Uncertain significance for Renal tubular acidosis with progressive nerve deafness. Last evaluated: 2022-03-31. Review status: criteria provided, single submitter. Criteria: ACMG Guidelines, 2015. Collection method: clinical testing. Allele origin: unknown.

Breakthrough Genomics
Classification: Uncertain significance. Review status: criteria provided, single submitter. Criteria: ACMG Guidelines, 2015. Collection method: not provided. Allele origin: germline. Inheritance: Autosomal recessive inheritance. Affected: yes.

Natera, Inc.
Classification: Uncertain significance for Renal tubular acidosis with progressive nerve deafness. Last evaluated: 2020-10-20. Review status: no assertion criteria provided. Collection method: clinical testing. Allele origin: germline. Not counted in ClinVar's aggregate classification.

NM_001692.4(ATP6V1B1):c.512T>C (p.Ile171Thr)

Gene: ATP6V1B1 (ATPase H+ transporting V1 subunit B1; plus strand). Cytogenetic location: 2p13.3.
Variant type: single nucleotide variant.
Coding change: c.512T>C on transcript NM_001692.4 (MANE Select); coding-DNA position 512, T replaced by C.
Protein change: p.Ile171Thr; replaces isoleucine 171 with threonine.
Molecular consequence: missense variant.
Genome position (GRCh38, 1-based): chr2:70,960,005, T>C. VCF-style: chr2-70960005-T-C. GRCh37 (hg19) VCF-style: chr2-71187135-T-C.
Other names: short protein forms I171T.
Identifiers: ClinVar variation 862369 (VCV000862369.7), dbSNP rs782807034, ClinGen allele CA1701074.